The following is an entry in ClinVar:

ClinVar aggregate classification (germline): Uncertain significance (1 of 4 stars; one submission).

Conditions:
Pyridoxine-dependent epilepsy (EPEO4). Also called: Pyridoxine-Dependent Epilepsy - ALDH7A1; EPILEPSY, EARLY-ONSET, 4, VITAMIN B6-DEPENDENT; PYRIDOXINE DEPENDENCY WITH SEIZURES; Pyridoxine-Dependent Seizures. Identifiers: Orphanet 3006, MedGen C1849508, MONDO:0009945, OMIM 266100. Disease mechanism: loss of function.

Submission:

Labcorp Genetics (formerly Invitae), Labcorp
Classification: Uncertain significance for Pyridoxine-dependent epilepsy. Last evaluated: 2022-11-15. Review status: criteria provided, single submitter. Criteria: Invitae Variant Classification Sherloc (09022015). Collection method: clinical testing. Allele origin: germline.
Comment: This sequence change replaces arginine, which is basic and polar, with leucine, which is neutral and non-polar, at codon 81 of the ALDH7A1 protein (p.Arg81Leu). In summary, the available evidence is currently insufficient to determine the role of this variant in disease. Therefore, it has been classified as a Variant of Uncertain Significance. Advanced modeling of protein sequence and biophysical properties (such as structural, functional, and spatial information, amino acid conservation, physicochemical variation, residue mobility, and thermodynamic stability) has been performed at Invitae for this missense variant, however the output from this modeling did not meet the statistical confidence thresholds required to predict the impact of this variant on ALDH7A1 protein function. ClinVar contains an entry for this variant (Variation ID: 853850). This variant has not been reported in the literature in individuals affected with ALDH7A1-related conditions. This variant is not present in population databases (gnomAD no frequency).

NM_001182.5(ALDH7A1):c.242G>T (p.Arg81Leu)

Gene: ALDH7A1 (aldehyde dehydrogenase 7 family member A1; minus strand). Cytogenetic location: 5q23.2.
Variant type: single nucleotide variant.
Coding change: c.242G>T on transcript NM_001182.5 (MANE Select); coding-DNA position 242, G replaced by T.
Protein change: p.Arg81Leu; replaces arginine 81 with leucine.
Molecular consequence: missense variant.
Genome position (GRCh38, 1-based): chr5:126,593,355, C>A on the plus strand (G>T on the coding strand, the complement: ALDH7A1 is on the minus strand). VCF-style: chr5-126593355-C-A. GRCh37 (hg19) VCF-style: chr5-125929047-C-A.
Other names: c.158G>T, p.Arg53Leu (NM_001201377.2); c.242G>T, p.Arg81Leu (NM_001202404.2); short protein forms R53L, R81L.
Identifiers: ClinVar variation 853850 (VCV000853850.10), dbSNP rs1751621256, ClinGen allele CA360733231.